The following is an entry in ClinVar:

NM_001110556.2(FLNA):c.373+61T>C

Gene: FLNA (filamin A; minus strand). Cytogenetic location: Xq28.
Variant type: single nucleotide variant.
Coding change: c.373+61T>C on transcript NM_001110556.2 (MANE Select); 61 bases into the intron after coding-DNA position 373, T replaced by C.
Molecular consequence: intron variant.
Genome position (GRCh38, 1-based): chrX:154,370,812, A>G on the plus strand (T>C on the coding strand, the complement: FLNA is on the minus strand). VCF-style: chrX-154370812-A-G. GRCh37 (hg19) VCF-style: chrX-153599180-A-G.
Other names: c.373+61T>C (NM_001456.4).
Identifiers: ClinVar variation 674267 (VCV000674267.2), dbSNP rs5987249, ClinGen allele CA337285409.

ClinVar aggregate classification (germline): Benign. Review status: criteria provided, multiple submitters, no conflicts (2 of 4 stars). 2 submissions from 2 submitters: Benign (2). Last evaluated 2018-06-18.

Allele frequency attached by ClinVar (database versions not stated): gnomAD exomes 0.22787; gnomAD 0.28174 and 0.28631; TOPMed 0.28995; 1000 Genomes Project 0.34278; 1000 Genomes Project 30x 0.34984.
gnomAD v4.1: 270,723 of 1,155,593 alleles (23%); highest among the groups gnomAD compares: South Asian, 54%; 23,398 homozygotes.

Submissions (2):

GeneDx
Classification: Benign. Last evaluated: 2018-06-18. Review status: criteria provided, single submitter. Criteria: GeneDx Variant Classification (06012015). Collection method: clinical testing. Allele origin: germline. Affected: yes.
Comment: This variant is considered likely benign or benign based on one or more of the following criteria: it is a conservative change, it occurs at a poorly conserved position in the protein, it is predicted to be benign by multiple in silico algorithms, and/or has population frequency not consistent with disease.

Breakthrough Genomics
Classification: Benign. Review status: criteria provided, single submitter. Criteria: ACMG Guidelines, 2015. Collection method: not provided. Allele origin: germline. Inheritance: X-linked inheritance. Affected: yes.